The following is an entry in ClinVar:

ClinVar aggregate classification (germline): Uncertain significance. Review status: criteria provided, multiple submitters, no conflicts (2 of 4 stars). 2 submissions from 2 submitters: Uncertain significance (2). Last evaluated 2026-04-15.

Conditions:
Hereditary nonpolyposis colorectal neoplasms. Identifiers: MedGen C0009405, MeSH D003123.
Hereditary cancer-predisposing syndrome. Also called: Hereditary neoplastic syndrome; Neoplastic Syndromes, Hereditary; Tumor predisposition; Hereditary Cancer Syndrome. Identifiers: Orphanet 140162, MedGen C0027672, MeSH D009386, MONDO:0015356.

Submissions (2):

Ambry Genetics
Classification: Uncertain significance for Hereditary cancer-predisposing syndrome. Last evaluated: 2026-04-15. Review status: criteria provided, single submitter. Criteria: Ambry Variant Classification Scheme 2023. Collection method: clinical testing. Allele origin: germline.
Comment: The p.C115G variant (also known as c.343T>G), located in coding exon 4 of the PMS2 gene, results from a T to G substitution at nucleotide position 343. The cysteine at codon 115 is replaced by glycine, an amino acid with highly dissimilar properties. This amino acid position is highly conserved in available vertebrate species. In addition, this alteration is predicted to be deleterious by in silico analysis. Based on the available evidence, the clinical significance of this variant remains unclear.

Labcorp Genetics (formerly Invitae), Labcorp
Classification: Uncertain significance for Hereditary nonpolyposis colorectal neoplasms. Last evaluated: 2024-03-25. Review status: criteria provided, single submitter. Criteria: Invitae Variant Classification Sherloc (09022015). Collection method: clinical testing. Allele origin: germline.
Comment: This sequence change replaces cysteine, which is neutral and slightly polar, with glycine, which is neutral and non-polar, at codon 115 of the PMS2 protein (p.Cys115Gly). This variant is not present in population databases (gnomAD no frequency). This missense change has been observed in individual(s) with PMS2-related conditions (PMID: 27435373). Advanced modeling of protein sequence and biophysical properties (such as structural, functional, and spatial information, amino acid conservation, physicochemical variation, residue mobility, and thermodynamic stability) performed at Invitae indicates that this missense variant is expected to disrupt PMS2 protein function with a positive predictive value of 80%. Experimental studies have shown that this missense change affects PMS2 function (PMID: 27435373). In summary, the available evidence is currently insufficient to determine the role of this variant in disease. Therefore, it has been classified as a Variant of Uncertain Significance.

Literature cited by the submitters: PubMed 27435373 (cited by Ambry Genetics and Labcorp Genetics (formerly Invitae), Labcorp).

NM_000535.7(PMS2):c.343T>G (p.Cys115Gly)

Gene: PMS2 (PMS1 homolog 2, mismatch repair system component; minus strand). Cytogenetic location: 7p22.1.
Variant type: single nucleotide variant.
Coding change: c.343T>G on transcript NM_000535.7 (MANE Select); coding-DNA position 343, T replaced by G.
Protein change: p.Cys115Gly; replaces cysteine 115 with glycine.
Molecular consequence: missense variant. On other transcripts: 5 prime UTR variant (25), non-coding transcript variant (1), intron variant (21).
Genome position (GRCh38, 1-based): chr7:6,003,700, A>C on the plus strand (T>G on the coding strand, the complement: PMS2 is on the minus strand). VCF-style: chr7-6003700-A-C. GRCh37 (hg19) VCF-style: chr7-6043331-A-C.
Other names: c.343T>G, p.Cys115Gly (NM_001406871.1, NM_001406872.1, NM_001406873.1 and 8 more transcripts); c.-142T>G (NM_001406875.1, NM_001406877.1, NM_001406878.1 and 3 more transcripts); c.-63T>G (NM_001406887.1, NM_001406891.1, NM_001406893.1 and 14 more transcripts); c.-53T>G (NM_001406890.1); c.35+272T>G (NM_001322008.2, NM_001406902.1, NM_001406883.1 and 4 more transcripts); c.-132+272T>G (NM_001406881.1, NM_001406900.1); c.-53+43T>G (NM_001406895.1, NM_001406904.1, NM_001406889.1 and 6 more transcripts); c.-52-1064T>G (NM_001406896.1); and 5 more; short protein forms C123G, C177G, C115G.
Identifiers: ClinVar variation 2919803 (VCV002919803.4), dbSNP rs1290792398, ClinGen allele CA366744543.